The following is an entry in ClinVar:

NM_006648.4(WNK2):c.2182G>A (p.Gly728Ser)

Gene: WNK2 (WNK lysine deficient protein kinase 2; plus strand). Cytogenetic location: 9q22.31.
Variant type: single nucleotide variant.
Coding change: c.2182G>A on transcript NM_006648.4 (MANE Select); coding-DNA position 2182, G replaced by A.
Protein change: p.Gly728Ser; replaces glycine 728 with serine.
Molecular consequence: missense variant.
Genome position (GRCh38, 1-based): chr9:93,256,446, G>A. VCF-style: chr9-93256446-G-A. GRCh37 (hg19) VCF-style: chr9-96018728-G-A.
Other names: c.2182G>A, p.Gly728Ser (NM_001282394.3); short protein forms G728S.
Identifiers: ClinVar variation 3981821 (VCV003981821.1).

ClinVar aggregate classification (germline): Uncertain significance (1 of 4 stars; one submission).

gnomAD v4.1: 7 of 1,525,792 alleles (0.00046%); highest among the groups gnomAD compares: South Asian, 0.0012%; no homozygotes.

Submission:

Ambry Genetics
Classification: Uncertain significance. Last evaluated: 2025-04-06. Review status: criteria provided, single submitter. Criteria: Ambry Variant Classification Scheme 2023. Collection method: clinical testing. Allele origin: germline.
Comment: The p.G728S variant (also known as c.2182G>A), located in coding exon 9 of the WNK2 gene, results from a G to A substitution at nucleotide position 2182. The glycine at codon 728 is replaced by serine, an amino acid with similar properties. This amino acid position is conserved. In addition, this alteration is predicted to be tolerated by in silico analysis. Based on the available evidence, the clinical significance of this variant remains unclear.